The following is an entry in ClinVar:

ClinVar aggregate classification (germline): Uncertain significance. Review status: criteria provided, multiple submitters, no conflicts (2 of 4 stars). 5 submissions from 5 submitters: Uncertain significance (5). Last evaluated 2026-02-17.

Conditions:
SCO2-related disorder. Also called: SCO2-related condition.

Allele frequency attached by ClinVar (database versions not stated): ExAC 0.00003; gnomAD exomes 0.00003; 1000 Genomes Project 30x 0.00016; 1000 Genomes Project 0.00020.
gnomAD v4.1: 48 of 1,614,080 alleles (0.003%); highest among the groups gnomAD compares: African/African-American, 0.02%; no homozygotes.

Submissions (5):

Women's Health and Genetics/Laboratory Corporation of America, LabCorp
Classification: Uncertain significance. Last evaluated: 2026-02-17. Review status: criteria provided, single submitter. Criteria: LabCorp Variant Classification Summary - May 2015. Collection method: clinical testing. Allele origin: germline.
Comment: Variant summary: SCO2 c.724G>A (p.Gly242Ser) results in a non-conservative amino acid change in the encoded protein sequence. Algorithms developed to predict the effect of missense changes on protein structure and function are either unavailable or do not agree on the potential impact of this missense change. The variant allele was found at a frequency of 2.8e-05 in 251382 control chromosomes. The available data on variant occurrences in the general population are insufficient to allow any conclusion about variant significance. To our knowledge, no occurrence of c.724G>A in individuals affected with SCO2-related conditions and no experimental evidence demonstrating its impact on protein function have been reported. ClinVar contains an entry for this variant (Variation ID: 1309702). Based on the evidence outlined above, the variant was classified as uncertain significance.

PreventionGenetics, part of Exact Sciences
Classification: Uncertain significance for SCO2-related condition. Last evaluated: 2025-10-03. Review status: criteria provided, single submitter. Criteria: ACMG Guidelines, 2015. Collection method: clinical testing. Allele origin: germline.
Comment: The SCO2 c.724G>A variant is predicted to result in the amino acid substitution p.Gly242Ser. To our knowledge, this variant has not been reported in the literature. This variant is reported in 0.0062% of alleles in individuals of African descent in gnomAD. At this time, the clinical significance of this variant is uncertain due to the absence of conclusive functional and genetic evidence.

Labcorp Genetics (formerly Invitae), Labcorp
Classification: Uncertain significance. Last evaluated: 2022-07-22. Review status: criteria provided, single submitter. Criteria: Invitae Variant Classification Sherloc (09022015). Collection method: clinical testing. Allele origin: germline.
Comment: This sequence change replaces glycine, which is neutral and non-polar, with serine, which is neutral and polar, at codon 242 of the SCO2 protein (p.Gly242Ser). This variant is present in population databases (rs200610534, gnomAD 0.007%). This variant has not been reported in the literature in individuals affected with SCO2-related conditions. ClinVar contains an entry for this variant (Variation ID: 1309702). Algorithms developed to predict the effect of missense changes on protein structure and function output the following: SIFT: "Tolerated"; PolyPhen-2: "Benign"; Align-GVGD: "Class C0". The serine amino acid residue is found in multiple mammalian species, which suggests that this missense change does not adversely affect protein function. Algorithms developed to predict the effect of sequence changes on RNA splicing suggest that this variant may create or strengthen a splice site. In summary, the available evidence is currently insufficient to determine the role of this variant in disease. Therefore, it has been classified as a Variant of Uncertain Significance.

GeneDx
Classification: Uncertain significance. Last evaluated: 2019-10-28. Review status: criteria provided, single submitter. Criteria: GeneDx Variant Classification Process June 2021. Collection method: clinical testing. Allele origin: germline. Affected: yes.
Comment: In silico analysis, which includes protein predictors and evolutionary conservation, supports a deleterious effect; Has not been previously published as pathogenic or benign to our knowledge

Breakthrough Genomics
Classification: Uncertain significance. Review status: criteria provided, single submitter. Criteria: ACMG Guidelines, 2015. Collection method: not provided. Allele origin: germline. Inheritance: Autosomal dominant inheritance. Affected: yes.

NM_005138.3(SCO2):c.724G>A (p.Gly242Ser)

Genes: NCAPH2 (non-SMC condensin II complex subunit H2; plus strand), SCO2 (synthesis of cytochrome C oxidase 2; minus strand). Cytogenetic location: 22q13.33.
Variant type: single nucleotide variant.
Coding change: c.724G>A on transcript NM_005138.3 (MANE Select); coding-DNA position 724, G replaced by A.
Protein change: p.Gly242Ser; replaces glycine 242 with serine.
Molecular consequence: missense variant. On other transcripts: 3 prime UTR variant (2).
Genome position (GRCh38, 1-based): chr22:50,523,688, C>T on the plus strand (G>A on the coding strand, the complement: SCO2 is on the minus strand). VCF-style: chr22-50523688-C-T. GRCh37 (hg19) VCF-style: chr22-50962117-C-T.
Other names: c.724G>A (NM_005138.2); c.*313C>T (NM_001185011.2, NM_152299.4); c.724G>A, p.Gly242Ser (NM_001169109.2, NM_001169110.1, NM_001169111.2); short protein forms G242S.
Identifiers: ClinVar variation 1309702 (VCV001309702.9), dbSNP rs200610534, ClinGen allele CA10321133.